The following is an entry in ClinVar:

ClinVar aggregate classification (germline): Uncertain significance. Review status: criteria provided, multiple submitters, no conflicts (2 of 4 stars). 2 submissions from 2 submitters: Uncertain significance (2). Last evaluated 2026-01-26.

Conditions:
Cardiovascular phenotype. Identifiers: MedGen CN230736.
Hypertrophic cardiomyopathy 26. Also called: Cardiomyopathy, familial hypertrophic, 26. Identifiers: Orphanet 75249, MedGen C4310749, MONDO:0014883, OMIM 617047.
Distal myopathy with posterior leg and anterior hand involvement. Also called: WILLIAMS DISTAL MYOPATHY. Identifiers: Orphanet 63273, MedGen C3279722, MONDO:0013550, OMIM 614065.
Myofibrillar myopathy 5. Also called: Filaminopathy (type); FILAMINOPATHY, AUTOSOMAL DOMINANT. Identifiers: Orphanet 171445, MedGen C1836050, MONDO:0012289, OMIM 609524.

Submissions (2):

Labcorp Genetics (formerly Invitae), Labcorp
Classification: Uncertain significance for Distal myopathy with posterior leg and anterior hand involvement; Myofibrillar myopathy 5; Hypertrophic cardiomyopathy 26. Last evaluated: 2026-01-26. Review status: criteria provided, single submitter. Criteria: Invitae Variant Classification Sherloc (09022015). Collection method: clinical testing. Allele origin: germline.
Comment: This sequence change replaces glycine, which is neutral and non-polar, with arginine, which is basic and polar, at codon 1377 of the FLNC protein (p.Gly1377Arg). This variant is not present in population databases (gnomAD no frequency). This variant has not been reported in the literature in individuals affected with FLNC-related conditions. ClinVar contains an entry for this variant (Variation ID: 1738062). An algorithm developed to predict the effect of missense changes on protein structure and function (PolyPhen-2) suggests that this variant is likely to be disruptive. In summary, the available evidence is currently insufficient to determine the role of this variant in disease. Therefore, it has been classified as a Variant of Uncertain Significance.

Ambry Genetics
Classification: Uncertain significance for Cardiovascular phenotype. Last evaluated: 2022-03-23. Review status: criteria provided, single submitter. Criteria: Ambry Variant Classification Scheme 2023. Collection method: clinical testing. Allele origin: germline.
Comment: The p.G1377R variant (also known as c.4129G>C), located in coding exon 24 of the FLNC gene, results from a G to C substitution at nucleotide position 4129. The glycine at codon 1377 is replaced by arginine, an amino acid with dissimilar properties. This amino acid position is conserved. In addition, this alteration is predicted to be deleterious by in silico analysis. Since supporting evidence is limited at this time, the clinical significance of this alteration remains unclear.

NM_001458.5(FLNC):c.4129G>C (p.Gly1377Arg)

Gene: FLNC (filamin C; plus strand). Cytogenetic location: 7q32.1.
Variant type: single nucleotide variant.
Coding change: c.4129G>C on transcript NM_001458.5 (MANE Select); coding-DNA position 4129, G replaced by C.
Protein change: p.Gly1377Arg; replaces glycine 1377 with arginine.
Molecular consequence: missense variant.
Genome position (GRCh38, 1-based): chr7:128,846,746, G>C. VCF-style: chr7-128846746-G-C. GRCh37 (hg19) VCF-style: chr7-128486800-G-C.
Other names: c.4129G>C, p.Gly1377Arg (NM_001127487.2); short protein forms G1377R.
Identifiers: ClinVar variation 1738062 (VCV001738062.5), dbSNP rs768725407, ClinGen allele CA4475254.